The following is an entry in ClinVar:

NM_002335.4(LRP5):c.2254C>T (p.Arg752Trp)

Gene: LRP5 (LDL receptor related protein 5; plus strand). Cytogenetic location: 11q13.2.
Variant type: single nucleotide variant.
Coding change: c.2254C>T on transcript NM_002335.4 (MANE Select); coding-DNA position 2254, C replaced by T.
Protein change: p.Arg752Trp; replaces arginine 752 with tryptophan.
Molecular consequence: missense variant.
Genome position (GRCh38, 1-based): chr11:68,410,076, C>T. VCF-style: chr11-68410076-C-T. GRCh37 (hg19) VCF-style: chr11-68177544-C-T.
Other names: c.511C>T, p.Arg171Trp (NM_001291902.2); short protein forms R171W, R752W.
Identifiers: ClinVar variation 1184509 (VCV001184509.12), dbSNP rs121908674, ClinGen allele CA381616607.

ClinVar aggregate classification (germline): Conflicting classifications of pathogenicity. Review status: criteria provided, conflicting classifications (1 of 4 stars). 4 submissions from 4 submitters: Pathogenic (1); Likely pathogenic (1); Uncertain significance (1). 1 of the submissions does not count toward it. Last evaluated 2026-09-17.

Conditions:
Exudative vitreoretinopathy 4 (EVR4). Identifiers: Orphanet 891, MedGen C1866176, MONDO:0011151, OMIM 601813.
LRP5-related disorder. Also called: LRP5-related condition.

Allele frequency attached by ClinVar (database versions not stated): TOPMed below 0.00001; gnomAD exomes 0.00001.
gnomAD v4.1: 7 of 1,614,008 alleles (0.00043%); highest among the groups gnomAD compares: South Asian, 0.0011%; no homozygotes.

Submissions (4):

GeneDx
Classification: Uncertain significance. Last evaluated: 2026-09-17. Review status: criteria provided, single submitter. Criteria: GeneDx Variant Classification Process June 2021. Collection method: clinical testing. Allele origin: germline.
Comment: Observed with a second variant in a patient with osteoporosis-pseudoglioma syndrome (OPPG) in published literature (PMID: 25384351); Not observed at significant frequency in large population cohorts (gnomAD); In silico analysis supports that this missense variant has a deleterious effect on protein structure/function; This variant is associated with the following publications: (PMID: 31077665, 34758253, 25384351, 38881609, 38219857)

Labcorp Genetics (formerly Invitae), Labcorp
Classification: Pathogenic. Last evaluated: 2025-03-12. Review status: criteria provided, single submitter. Criteria: Invitae Variant Classification Sherloc (09022015). Collection method: clinical testing. Allele origin: germline.
Comment: This sequence change replaces arginine, which is basic and polar, with tryptophan, which is neutral and slightly polar, at codon 752 of the LRP5 protein (p.Arg752Trp). This variant is not present in population databases (gnomAD no frequency). This missense change has been observed in individuals with clinical features of osteoporosis-pseudoglioma syndrome and/or familial exudative vitreoretinopathy (PMID: 25384351, 31077665). ClinVar contains an entry for this variant (Variation ID: 1184509). Invitae Evidence Modeling of protein sequence and biophysical properties (such as structural, functional, and spatial information, amino acid conservation, physicochemical variation, residue mobility, and thermodynamic stability) indicates that this missense variant is expected to disrupt LRP5 protein function with a positive predictive value of 95%. This variant disrupts the p.Arg752 amino acid residue in LRP5. Other variant(s) that disrupt this residue have been determined to be pathogenic (internal data). This suggests that this residue is clinically significant, and that variants that disrupt this residue are likely to be disease-causing. For these reasons, this variant has been classified as Pathogenic.

Blueprint Genetics
Classification: Likely pathogenic for LRP5-related disorders. Last evaluated: 2021-05-17. Review status: criteria provided, single submitter. Criteria: ACMG Guidelines, 2015. Collection method: clinical testing. Allele origin: germline. Affected: yes. Observed: 2 variant alleles.

Genomics England Pilot Project, Genomics England
Classification: Likely pathogenic for Exudative vitreoretinopathy 4. Review status: no assertion criteria provided. Criteria: ACGS Guidelines, 2016. Collection method: clinical testing. Allele origin: germline. Affected: yes. Not counted in ClinVar's aggregate classification.

Literature cited by the submitters: PubMed 25384351 (cited by Labcorp Genetics (formerly Invitae), Labcorp); PubMed 31077665 (cited by Labcorp Genetics (formerly Invitae), Labcorp).